The following is an entry in ClinVar:

NM_006514.4(SCN10A):c.2642T>G (p.Val881Gly)

Gene: SCN10A (sodium voltage-gated channel alpha subunit 10; minus strand). Cytogenetic location: 3p22.2.
Variant type: single nucleotide variant.
Coding change: c.2642T>G on transcript NM_006514.4 (MANE Select); coding-DNA position 2642, T replaced by G.
Protein change: p.Val881Gly; replaces valine 881 with glycine.
Molecular consequence: missense variant.
Genome position (GRCh38, 1-based): chr3:38,727,051, A>C on the plus strand (T>G on the coding strand, the complement: SCN10A is on the minus strand). VCF-style: chr3-38727051-A-C. GRCh37 (hg19) VCF-style: chr3-38768542-A-C.
Other names: c.2642T>G, p.Val881Gly (NM_001293306.2); c.2348T>G, p.Val783Gly (NM_001293307.2); short protein forms V783G, V881G.
Identifiers: ClinVar variation 4752349 (VCV004752349.1).

ClinVar aggregate classification (germline): Uncertain significance (1 of 4 stars; one submission).

Conditions:
Brugada syndrome. Also called: Sudden Unexplained Death Syndrome; Sudden Unexplained Nocturnal Death Syndrome (SUNDS); Sudden unexplained nocturnal death syndrome; Sudden unexpected nocturnal death syndrome. Identifiers: Orphanet 130, MedGen C1142166, MONDO:0015263.

gnomAD v4.1: 2 of 1,599,396 alleles (0.00013%); highest among the groups gnomAD compares: Non-Finnish European, 0.000086%; no homozygotes.

Submission:

Labcorp Genetics (formerly Invitae), Labcorp
Classification: Uncertain significance for Brugada syndrome. Last evaluated: 2025-04-17. Review status: criteria provided, single submitter. Criteria: Invitae Variant Classification Sherloc (09022015). Collection method: clinical testing. Allele origin: germline.
Comment: This sequence change replaces valine, which is neutral and non-polar, with glycine, which is neutral and non-polar, at codon 881 of the SCN10A protein (p.Val881Gly). This variant is not present in population databases (gnomAD no frequency). This variant has not been reported in the literature in individuals affected with SCN10A-related conditions. An algorithm developed to predict the effect of missense changes on protein structure and function (PolyPhen-2) suggests that this variant is likely to be disruptive. In summary, the available evidence is currently insufficient to determine the role of this variant in disease. Therefore, it has been classified as a Variant of Uncertain Significance.